The following is an entry in ClinVar:

ClinVar aggregate classification (germline): Uncertain significance (1 of 4 stars; one submission).

Submission:

Labcorp Genetics (formerly Invitae), Labcorp
Classification: Uncertain significance. Last evaluated: 2024-07-15. Review status: criteria provided, single submitter. Criteria: Invitae Variant Classification Sherloc (09022015). Collection method: clinical testing. Allele origin: germline.
Comment: This sequence change falls in intron 28 of the MYO6 gene. It does not directly change the encoded amino acid sequence of the MYO6 protein. This variant is not present in population databases (gnomAD no frequency). This variant has not been reported in the literature in individuals affected with MYO6-related conditions. Algorithms developed to predict the effect of sequence changes on RNA splicing suggest that this variant may disrupt the consensus splice site. In summary, the available evidence is currently insufficient to determine the role of this variant in disease. Therefore, it has been classified as a Variant of Uncertain Significance.

NM_004999.4(MYO6):c.3108-11T>G

Gene: MYO6 (myosin VI; plus strand). Cytogenetic location: 6q14.1.
Variant type: single nucleotide variant.
Coding change: c.3108-11T>G on transcript NM_004999.4 (MANE Select); 11 bases into the intron before coding-DNA position 3108, T replaced by G.
Molecular consequence: intron variant.
Genome position (GRCh38, 1-based): chr6:75,895,220, T>G. VCF-style: chr6-75895220-T-G. GRCh37 (hg19) VCF-style: chr6-76604937-T-G.
Other names: c.3135-11T>G (NM_001368865.1, NM_001368866.1, NM_001368137.1); c.3107+2530T>G (NM_001300899.2, NM_001368136.1); c.3092+2530T>G (NM_001368138.1).
Identifiers: ClinVar variation 3648894 (VCV003648894.2).